The following is an entry in ClinVar:

ClinVar aggregate classification (germline): Uncertain significance (1 of 4 stars; one submission).

Conditions:
Ehlers-Danlos syndrome, classic type, 1 (EDSCL1). Also called: EHLERS-DANLOS SYNDROME, GRAVIS TYPE; EHLERS-DANLOS SYNDROME, SEVERE CLASSIC TYPE; Ehlers-Danlos syndrome, type 1; EDS I; Ehlers-Danlos Syndrome, Classic Type, COL5A1-Related. Identifiers: MedGen C0268335, MONDO:0019567, OMIM 130000.

Submission:

Labcorp Genetics (formerly Invitae), Labcorp
Classification: Uncertain significance for Ehlers-Danlos syndrome, classic type, 1. Last evaluated: 2021-04-23. Review status: criteria provided, single submitter. Criteria: Invitae Variant Classification Sherloc (09022015). Collection method: clinical testing. Allele origin: germline.
Comment: In summary, the available evidence is currently insufficient to determine the role of this variant in disease. Therefore, it has been classified as a Variant of Uncertain Significance. Algorithms developed to predict the effect of missense changes on protein structure and function are either unavailable or do not agree on the potential impact of this missense change (SIFT: "Deleterious"; PolyPhen-2: "Not Available"; Align-GVGD: "Class C0"). This variant has not been reported in the literature in individuals with COL5A1-related conditions. This variant is not present in population databases (ExAC no frequency). This sequence change replaces isoleucine with asparagine at codon 1782 of the COL5A1 protein (p.Ile1782Asn). The isoleucine residue is moderately conserved and there is a large physicochemical difference between isoleucine and asparagine.

NM_000093.5(COL5A1):c.5345T>A (p.Ile1782Asn)

Genes: COL5A1 (collagen type V alpha 1 chain; plus strand), LOC101448202 (uncharacterized LOC101448202; minus strand). Cytogenetic location: 9q34.3.
Variant type: single nucleotide variant.
Coding change: c.5345T>A on transcript NM_000093.5 (MANE Select); coding-DNA position 5345, T replaced by A.
Protein change: p.Ile1782Asn; replaces isoleucine 1782 with asparagine.
Molecular consequence: missense variant.
Genome position (GRCh38, 1-based): chr9:134,835,179, T>A. VCF-style: chr9-134835179-T-A. GRCh37 (hg19) VCF-style: chr9-137727025-T-A.
Other names: c.5345T>A, p.Ile1782Asn (NM_001278074.1); short protein forms I1782N.
Identifiers: ClinVar variation 1348230 (VCV001348230.8), dbSNP rs1403819684, ClinGen allele CA375460954.
Genomic context (GRCh38, chr9:134,835,179, plus strand): 5'-AGGCCCTCCGCTTCCTGGGCTCCAACGACGAGGAGATGTCCTATGACAACAACCCCTACA[T>A]CCGCGCCCTGGTGGACGGCTGTGCTGTGAGTATCCCGCGCCGCGCCCAGCACCCCTGCTC-3'
Protein context (NP_000084.3, residues 1772-1792): EEMSYDNNPY[Ile1782Asn]RALVDGCATK